The following is an entry in ClinVar:

ClinVar aggregate classification (germline): Benign. Review status: criteria provided, multiple submitters, no conflicts (2 of 4 stars). 8 submissions from 8 submitters: Benign (4). 4 of the submissions do not count toward it. Last evaluated 2025-05-01.

Conditions:
LAMA4-related disorder. Also called: LAMA4-related condition.
Dilated cardiomyopathy 1JJ (CMD1JJ). Identifiers: Orphanet 154, MedGen C3808935, MONDO:0014095, OMIM 615235.

Allele frequency attached by ClinVar (database versions not stated): 1000 Genomes Project 0.00599; 1000 Genomes Project 30x 0.00640; TOPMed 0.00776; ESP Exome Variant Server 0.01079; gnomAD 0.01307 and 0.01345; ExAC 0.01338; gnomAD exomes 0.01355 and 0.01414.
gnomAD v4.1: 22,492 of 1,614,196 alleles (1.4%); highest among the groups gnomAD compares: Non-Finnish European, 1.5%; 232 homozygotes.

Submissions (8):

CeGaT Center for Human Genetics Tuebingen
Classification: Benign. Last evaluated: 2025-05-01. Review status: criteria provided, single submitter. Criteria: CeGaT Center For Human Genetics Tuebingen Variant Classification Criteria Version 2. Collection method: clinical testing. Allele origin: germline. Affected: yes. Observed: 2 variant alleles.
Comment: LAMA4: BP4, BP7, BS1, BS2

ARUP Laboratories, Molecular Genetics and Genomics, ARUP Laboratories
Classification: Benign for Dilated cardiomyopathy 1JJ. Last evaluated: 2023-08-24. Review status: criteria provided, single submitter. Criteria: ARUP Molecular Germline Variant Investigation Process 2024. Collection method: clinical testing. Allele origin: germline.

GeneDx
Classification: Benign. Last evaluated: 2015-05-09. Review status: criteria provided, single submitter. Criteria: GeneDx Variant Classification (06012015). Collection method: clinical testing. Allele origin: germline. Affected: yes.
Comment: This variant is considered likely benign or benign based on one or more of the following criteria: it is a conservative change, it occurs at a poorly conserved position in the protein, it is predicted to be benign by multiple in silico algorithms, and/or has population frequency not consistent with disease.

Laboratory for Molecular Medicine, Mass General Brigham Personalized Medicine
Classification: Benign. Last evaluated: 2011-11-10. Review status: criteria provided, single submitter. Criteria: LMM Criteria. Collection method: clinical testing. Allele origin: germline. Observed: 3 variant alleles.
Comment: Leu113Leu in Exon 02 of LAMA4: This variant is not expected to have clinical sig nificance because it does not alter an amino acid residue, is not located within the splice consensus sequence and has been identified in 1.4% (99/6950) of Euro pean American chromosomes from a broad population by the NHLBI Exome Sequencing Project (dbSNP rs147118520).

PreventionGenetics, part of Exact Sciences
Classification: Benign for LAMA4-related condition. Last evaluated: 2019-05-30. Review status: no assertion criteria provided. Collection method: clinical testing. Allele origin: germline. Not counted in ClinVar's aggregate classification.
Comment: This variant is classified as benign based on ACMG/AMP sequence variant interpretation guidelines (Richards et al. 2015 PMID: 25741868, with internal and published modifications).

Clinical Genetics DNA and cytogenetics Diagnostics Lab, Erasmus MC, Erasmus Medical Center
Classification: Benign. Review status: no assertion criteria provided. Collection method: clinical testing. Allele origin: germline. Affected: yes. Study: VKGL Data-share Consensus. Not counted in ClinVar's aggregate classification.

Clinical Genetics, Academic Medical Center
Classification: Benign. Review status: no assertion criteria provided. Collection method: clinical testing. Allele origin: germline. Affected: yes. Study: VKGL Data-share Consensus. Not counted in ClinVar's aggregate classification.

Diagnostic Laboratory, Department of Genetics, University Medical Center Groningen
Classification: Likely benign for Dilated cardiomyopathy 1JJ. Review status: no assertion criteria provided. Collection method: clinical testing. Allele origin: germline. Affected: yes. Study: VKGL Data-share Consensus. Not counted in ClinVar's aggregate classification.

NM_001105206.3(LAMA4):c.195+144T>C

Genes: LAMA4 (laminin subunit alpha 4; minus strand), LAMA4-AS1 (LAMA4 antisense RNA 1; plus strand). Cytogenetic location: 6q21.
Variant type: single nucleotide variant.
Coding change: c.195+144T>C on transcript NM_001105206.3 (MANE Select); 144 bases into the intron after coding-DNA position 195, T replaced by C.
Molecular consequence: intron variant. On other transcripts: synonymous variant (2).
Genome position (GRCh38, 1-based): chr6:112,253,812, A>G on the plus strand (T>C on the coding strand, the complement: LAMA4 is on the minus strand). VCF-style: chr6-112253812-A-G. GRCh37 (hg19) VCF-style: chr6-112575014-A-G.
Other names: c.339T>C, p.Leu113= (NM_001105208.3, NM_001105209.3); c.195+144T>C (NM_002290.5, NM_001105207.3).
Identifiers: ClinVar variation 163798 (VCV000163798.27), dbSNP rs147118520, ClinGen allele CA213307.